The following is an entry in ClinVar:

ClinVar aggregate classification (germline): Likely benign (1 of 4 stars; one submission).

Allele frequency attached by ClinVar (database versions not stated): ESP Exome Variant Server 0.00038; gnomAD 0.00046; TOPMed 0.00046; gnomAD exomes 0.00064; ExAC 0.00084.

Submission:

CeGaT Center for Human Genetics Tuebingen
Classification: Likely benign. Last evaluated: 2022-12-01. Review status: criteria provided, single submitter. Criteria: CeGaT Center For Human Genetics Tuebingen Variant Classification Criteria Version 2. Collection method: clinical testing. Allele origin: germline. Affected: yes. Observed: 1 variant allele.
Comment: OR13C2: BP4, BP7, BS2

NM_001004481.1(OR13C2):c.396T>C (p.Tyr132=)

Gene: OR13C2 (olfactory receptor family 13 subfamily C member 2; minus strand). Cytogenetic location: 9q31.1.
Variant type: single nucleotide variant.
Coding change: c.396T>C on transcript NM_001004481.1 (MANE Select); coding-DNA position 396, T replaced by C.
Protein change: p.Tyr132=; no amino-acid change (tyrosine 132 retained).
Molecular consequence: synonymous variant.
Genome position (GRCh38, 1-based): chr9:104,605,232, A>G on the plus strand (T>C on the coding strand, the complement: OR13C2 is on the minus strand). VCF-style: chr9-104605232-A-G. GRCh37 (hg19) VCF-style: chr9-107367513-A-G.
Identifiers: ClinVar variation 2659356 (VCV002659356.24), dbSNP rs77055908, ClinGen allele CA5166383.